The following is an entry in ClinVar:

ClinVar aggregate classification (germline): Pathogenic/Likely pathogenic. Review status: criteria provided, multiple submitters, no conflicts (2 of 4 stars). 3 submissions from 3 submitters: Pathogenic (1); Likely pathogenic (2). Last evaluated 2024-08-27.

Conditions:
VPS13B-related disorder. Also called: VPS13B-related condition.
Cohen syndrome (COH1). Also called: PEPPER SYNDROME; Cutis verticis gyrata, retinitis pigmentosa, and sensorineural deafness. Identifiers: Orphanet 193, MedGen C0265223, MONDO:0008999, OMIM 216550.

Submissions (3):

Natera, Inc.
Classification: Likely pathogenic for Cohen syndrome. Last evaluated: 2024-08-27. Review status: criteria provided, single submitter. Criteria: Natera Variant Classification Schema (03/2026). Collection method: clinical testing. Allele origin: germline.
Comment: The c.1246C>T variant in VPS13B is a nonsense variant predicted to introduce a stop codon at amino acid 416. This variant is expected to result in nonsense mediated decay, truncation, or a dysfunctional protein product. This variant is rare in the general population with a frequency below the threshold expected for the associated phenotype(s). Given the available evidence, this variant is classified as Likely Pathogenic.

Blueprint Genetics
Classification: Likely pathogenic for VPS13B-related disorders. Last evaluated: 2022-01-05. Review status: criteria provided, single submitter. Criteria: ACMG Guidelines, 2015. Collection method: clinical testing. Allele origin: germline. Affected: yes. Observed: 2 variant alleles.

Labcorp Genetics (formerly Invitae), Labcorp
Classification: Pathogenic for Cohen syndrome. Last evaluated: 2019-09-15. Review status: criteria provided, single submitter. Criteria: Invitae Variant Classification Sherloc (09022015). Collection method: clinical testing. Allele origin: germline.
Comment: For these reasons, this variant has been classified as Pathogenic. Loss-of-function variants in VPS13B are known to be pathogenic (PMID: 15141358, 16648375, 20461111). This variant has not been reported in the literature in individuals with VPS13B-related conditions. This variant is not present in population databases (ExAC no frequency). This sequence change creates a premature translational stop signal (p.Gln416*) in the VPS13B gene. It is expected to result in an absent or disrupted protein product.

Literature cited by the submitters: PubMed 15141358 (cited by Labcorp Genetics (formerly Invitae), Labcorp); PubMed 16648375 (cited by Labcorp Genetics (formerly Invitae), Labcorp); PubMed 20461111 (cited by Labcorp Genetics (formerly Invitae), Labcorp).

NM_152564.5(VPS13B):c.1246C>T (p.Gln416Ter)

Gene: VPS13B (vacuolar protein sorting 13 homolog B; plus strand). Cytogenetic location: 8q22.2.
Variant type: single nucleotide variant.
Coding change: c.1246C>T on transcript NM_152564.5 (MANE Select); coding-DNA position 1246, C replaced by T.
Protein change: p.Gln416Ter; replaces glutamine 416 with a stop codon.
Molecular consequence: nonsense.
Genome position (GRCh38, 1-based): chr8:99,134,671, C>T. VCF-style: chr8-99134671-C-T. GRCh37 (hg19) VCF-style: chr8-100146899-C-T.
Other names: c.1246C>T, p.Gln416Ter (NM_015243.3, NM_017890.5); short protein forms Q416*.
Identifiers: ClinVar variation 957546 (VCV000957546.9), dbSNP rs1809977682, ClinGen allele CA371861954.